The following is an entry in ClinVar:

ClinVar aggregate classification (germline): Likely benign (0 of 4 stars; one submission).

Conditions:
COL11A2-related disorder. Also called: COL11A2-related disorders; COL11A2-related condition.

Allele frequency attached by ClinVar (database versions not stated): gnomAD exomes below 0.00001; ExAC 0.00001.
gnomAD v4.1: 2 of 1,614,152 alleles (0.00012%); highest among the groups gnomAD compares: Non-Finnish European, 0.00017%; no homozygotes.

Submission:

PreventionGenetics, part of Exact Sciences
Classification: Likely benign for COL11A2-related condition. Last evaluated: 2019-09-05. Review status: no assertion criteria provided. Collection method: clinical testing. Allele origin: germline.
Comment: This variant is classified as likely benign based on ACMG/AMP sequence variant interpretation guidelines (Richards et al. 2015 PMID: 25741868, with internal and published modifications).

NM_080680.3(COL11A2):c.3259-4C>G

Gene: COL11A2 (collagen type XI alpha 2 chain; minus strand). Cytogenetic location: 6p21.32.
Variant type: single nucleotide variant.
Coding change: c.3259-4C>G on transcript NM_080680.3 (MANE Select); 4 bases into the intron before coding-DNA position 3259, C replaced by G.
Molecular consequence: intron variant.
Genome position (GRCh38, 1-based): chr6:33,171,328, G>C on the plus strand (C>G on the coding strand, the complement: COL11A2 is on the minus strand). VCF-style: chr6-33171328-G-C. GRCh37 (hg19) VCF-style: chr6-33139105-G-C.
Other names: c.2233-4C>G (NM_001424111.1, NM_001424110.1); c.2938-4C>G (NM_080679.3); c.3001-4C>G (NM_080681.3); c.3079-4C>G (NM_001424108.1); c.2413-4C>G (NM_001424109.1); c.1213-4C>G (NM_001424112.1).
Identifiers: ClinVar variation 3053088 (VCV003053088.2), dbSNP rs746215721, ClinGen allele CA3750582.
Genomic context (GRCh38, chr6:33,171,328, plus strand): 5'-TACATGTTCACCCTTGTTCCCTTTGGTGCCCTTCTGTCCGGGGTCCCCCACCTCACCCTG[G>C]GAGGAGAAGGCAGACAAGATATTAGAGAAAGGTGATGGGTAGAGTGGGAAGGATGACATG-3'